The following is an entry in ClinVar:

ClinVar aggregate classification (germline): Uncertain significance. Review status: criteria provided, multiple submitters, no conflicts (2 of 4 stars). 2 submissions from 2 submitters: Uncertain significance (2). Last evaluated 2025-06-12.

Conditions:
Blepharophimosis - intellectual disability syndrome, SBBYS type (SBBYSS). Also called: Say-Barber-Biesecker-Young-Simpson variant of Ohdo Syndrome; Say-Barber-Biesecker Variant of Ohdo Syndrome; Say-Barber-Biesecker variant of Ohdo syndrome (SBBYSS); Young Simpson syndrome; Mental retardation unusual facies hypothyroidism; Ohdo syndrome, SBBYS variant. Identifiers: Orphanet 3047, MedGen C1863557, MONDO:0011365, OMIM 603736.
Genitopatellar syndrome (GTPTS). Also called: Genitopatellar syndrome (GPS); ABSENT PATELLAE, SCROTAL HYPOPLASIA, RENAL ANOMALIES, FACIAL DYSMORPHISM, AND MENTAL RETARDATION. Identifiers: Orphanet 85201, MedGen C1853566, MONDO:0011640, OMIM 606170.

Submissions (2):

Labcorp Genetics (formerly Invitae), Labcorp
Classification: Uncertain significance for Genitopatellar syndrome. Last evaluated: 2025-06-12. Review status: criteria provided, single submitter. Criteria: Invitae Variant Classification Sherloc (09022015). Collection method: clinical testing. Allele origin: germline.
Comment: This variant, c.3249_3257del, results in the deletion of 3 amino acid(s) of the KAT6B protein (p.Glu1087_Glu1089del), but otherwise preserves the integrity of the reading frame. The frequency data for this variant in the population databases is considered unreliable, as metrics indicate poor data quality at this position in the gnomAD database. This variant has not been reported in the literature in individuals affected with KAT6B-related conditions. ClinVar contains an entry for this variant (Variation ID: 2693882). Experimental studies and prediction algorithms are not available or were not evaluated, and the functional significance of this variant is currently unknown. In summary, the available evidence is currently insufficient to determine the role of this variant in disease. Therefore, it has been classified as a Variant of Uncertain Significance.

Fulgent Genetics
Classification: Uncertain significance for Blepharophimosis - intellectual disability syndrome, SBBYS type; Genitopatellar syndrome. Last evaluated: 2024-05-11. Review status: criteria provided, single submitter. Criteria: ACMG Guidelines, 2015. Collection method: clinical testing. Allele origin: germline.

NM_012330.4(KAT6B):c.3249_3257del (p.Glu1087_Glu1089del)

Gene: KAT6B (lysine acetyltransferase 6B; plus strand). Cytogenetic location: 10q22.2.
Variant type: Deletion.
Coding change: c.3249_3257del on transcript NM_012330.4 (MANE Select); coding-DNA positions 3249 to 3257, 9 bases deleted (GGAGGAAGA; older notation c.3249_3257delGGAGGAAGA).
Protein change: p.Glu1087_Glu1089del.
Molecular consequence: inframe deletion.
Genome position (GRCh38, 1-based): chr10:75,022,108-75,022,116, GGAGGAAGA deleted; deleting any 9 consecutive bases within chr10:75,022,103-75,022,116 gives the same sequence; the c. name uses the placement nearest the transcript's 3' end. VCF-style (leftmost placement, unchanged base first): chr10-75022102-AGAAGAGGAG-A. GRCh37 (hg19) VCF-style: chr10-76781860-AGAAGAGGAG-A.
Other names: c.2700_2708del, p.Glu904_Glu906del (NM_001256468.2, NM_001370138.1); c.2373_2381del, p.Glu795_Glu797del (NM_001256469.2, NM_001370139.1, NM_001370140.1 and 2 more transcripts); c.2211_2219del, p.Glu741_Glu743del (NM_001370132.1); c.1560_1568del, p.Glu524_Glu526del (NM_001370133.1); c.1164_1172del, p.Glu392_Glu394del (NM_001370134.1); c.906_914del, p.Glu306_Glu308del (NM_001370135.1); c.3249_3257del, p.Glu1087_Glu1089del (NM_001370136.1, NM_001370137.1); c.2184_2192del, p.Glu732_Glu734del (NM_001370143.1, NM_001370144.1).
Identifiers: ClinVar variation 2693882 (VCV002693882.4), dbSNP rs780405690, ClinGen allele CA5564763.